The following is an entry in ClinVar:

NM_005886.3(KATNB1):c.1110C>T (p.Arg370=)

Gene: KATNB1 (katanin regulatory subunit B1; plus strand). Cytogenetic location: 16q21.
Variant type: single nucleotide variant.
Coding change: c.1110C>T on transcript NM_005886.3 (MANE Select); coding-DNA position 1110, C replaced by T.
Protein change: p.Arg370=; no amino-acid change (arginine 370 retained).
Molecular consequence: synonymous variant.
Genome position (GRCh38, 1-based): chr16:57,753,452, C>T. VCF-style: chr16-57753452-C-T. GRCh37 (hg19) VCF-style: chr16-57787364-C-T.
Identifiers: ClinVar variation 738312 (VCV000738312.13), dbSNP rs146443074, ClinGen allele CA8081031.

ClinVar aggregate classification (germline): Conflicting classifications of pathogenicity. Review status: criteria provided, conflicting classifications (1 of 4 stars). 2 submissions from 2 submitters: Uncertain significance (1); Likely benign (1). Last evaluated 2025-09-23.

Allele frequency attached by ClinVar (database versions not stated): gnomAD 0.00048 and 0.00047; ESP Exome Variant Server 0.00054; gnomAD exomes 0.00071 and 0.00045; 1000 Genomes Project 30x 0.00031; ExAC 0.00043; TOPMed 0.00043.
gnomAD v4.1: 1,090 of 1,613,124 alleles (0.068%); highest among the groups gnomAD compares: Non-Finnish European, 0.083%; no homozygotes.

Submissions (2):

Labcorp Genetics (formerly Invitae), Labcorp
Classification: Likely benign. Last evaluated: 2025-09-23. Review status: criteria provided, single submitter. Criteria: Invitae Variant Classification Sherloc (09022015). Collection method: clinical testing. Allele origin: germline.

GeneDx
Classification: Uncertain significance. Last evaluated: 2021-07-26. Review status: criteria provided, single submitter. Criteria: GeneDx Variant Classification Process June 2021. Collection method: clinical testing. Allele origin: germline. Affected: yes.
Comment: In silico analysis, which includes splice predictors and evolutionary conservation, suggests this variant may impact gene splicing. In the absence of RNA/functional studies, the actual effect of this sequence change is unknown.; Has not been previously published as pathogenic or benign to our knowledge